The following is an entry in ClinVar:

NM_001368894.2(PAX6):c.114del (p.Pro39fs)

Gene: PAX6 (paired box 6; minus strand). Cytogenetic location: 11p13.
Variant type: Deletion.
Coding change: c.114del on transcript NM_001368894.2 (MANE Select); coding-DNA position 114, one base deleted (G; older notation c.114delG).
Protein change: p.Pro39fs; shifts the reading frame from proline 39.
Molecular consequence: frameshift variant. On other transcripts: 5 prime UTR variant (12), non-coding transcript variant (2), intron variant (2).
Genome position (GRCh38, 1-based): chr11:31,802,731, C deleted on the plus strand (G on the coding strand, the reverse complement: PAX6 is on the minus strand); the first of 2 consecutive C bases (chr11:31,802,731-31,802,732); deleting either gives the same sequence. VCF-style (leftmost placement, unchanged base first): chr11-31802730-GC-G. GRCh37 (hg19) VCF-style: chr11-31824278-GC-G.
Other names: c.114del, p.Pro39fs (NM_000280.6, NM_001127612.3, NM_001258462.3 and 30 more transcripts); c.-668del (NM_001310160.2, NM_001368905.2); c.-337del (NM_001310161.3, NM_001368900.2, NM_001368903.2 and 2 more transcripts); c.-295del (NM_001368899.2, NM_001368901.2, NM_001368906.2 and 1 more transcripts); c.-626del (NM_001368902.2); c.357del, p.Pro120fs (NM_001368910.2); c.117del, p.Pro40fs (NM_001368911.2); c.-267-955del (NM_001368909.2, NM_001368904.2); short protein forms P120fs, P40fs, P39fs.
Identifiers: ClinVar variation 2111741 (VCV002111741.4), dbSNP rs1565245598, ClinGen allele CA2580084053.

ClinVar aggregate classification (germline): Pathogenic (1 of 4 stars; one submission).

Conditions:
Aniridia 1 (AN1). Identifiers: Orphanet 250923, MedGen C0344542, MONDO:0024507, OMIM 106210.
Irido-corneo-trabecular dysgenesis (ASGD5). Also called: ANTERIOR SEGMENT DYSGENESIS 5. Identifiers: Orphanet 708, MedGen C0344559, MONDO:0011414, OMIM 604229, HP:0000659.

Submission:

Labcorp Genetics (formerly Invitae), Labcorp
Classification: Pathogenic for Aniridia 1; Irido-corneo-trabecular dysgenesis. Last evaluated: 2023-04-22. Review status: criteria provided, single submitter. Criteria: Invitae Variant Classification Sherloc (09022015). Collection method: clinical testing. Allele origin: germline.
Comment: ClinVar contains an entry for this variant (Variation ID: 2111741). This sequence change creates a premature translational stop signal (p.Pro39Argfs*15) in the PAX6 gene. It is expected to result in an absent or disrupted protein product. Loss-of-function variants in PAX6 are known to be pathogenic (PMID: 12634864). This variant is not present in population databases (gnomAD no frequency). This variant has not been reported in the literature in individuals affected with PAX6-related conditions. For these reasons, this variant has been classified as Pathogenic.

Literature cited by the submitters: PubMed 12634864.